The following is an entry in ClinVar:

NM_005548.3(KARS1):c.740G>T (p.Arg247Leu)

Gene: KARS1 (lysyl-tRNA synthetase 1; minus strand). Cytogenetic location: 16q23.1.
Variant type: single nucleotide variant.
Coding change: c.740G>T on transcript NM_005548.3 (MANE Select); coding-DNA position 740, G replaced by T.
Protein change: p.Arg247Leu; replaces arginine 247 with leucine.
Molecular consequence: missense variant.
Genome position (GRCh38, 1-based): chr16:75,635,735, C>A on the plus strand (G>T on the coding strand, the complement: KARS1 is on the minus strand). VCF-style: chr16-75635735-C-A. GRCh37 (hg19) VCF-style: chr16-75669633-C-A.
Other names: c.824G>T, p.Arg275Leu (NM_001130089.2); c.272G>T, p.Arg91Leu (NM_001378148.1); short protein forms R91L, R275L, R247L.
Identifiers: ClinVar variation 4982186 (VCV004982186.1).

ClinVar aggregate classification (germline): Uncertain significance (1 of 4 stars; one submission).

Conditions:
KARS1-related disorder. Also called: KARS1-related disorders.

gnomAD v4.1: 9 of 1,614,002 alleles (0.00056%); highest among the groups gnomAD compares: Non-Finnish European, 0.00076%; no homozygotes.

Submission:

PreventionGenetics, part of Exact Sciences
Classification: Uncertain significance for KARS1-related condition. Last evaluated: 2026-01-28. Review status: criteria provided, single submitter. Criteria: ACMG Guidelines, 2015. Collection method: clinical testing. Allele origin: germline.
Comment: The KARS1 c.824G>T variant is predicted to result in the amino acid substitution p.Arg275Leu. To our knowledge, this variant has not been reported in the literature. This variant is reported in 0.00088% of alleles in individuals of European (Non-Finnish) descent in gnomAD. At this time, the clinical significance of this variant is uncertain due to the absence of conclusive functional and genetic evidence.